The following is an entry in ClinVar:

NM_182943.3(PLOD2):c.892G>A (p.Val298Ile)

Gene: PLOD2 (procollagen-lysine,2-oxoglutarate 5-dioxygenase 2; minus strand). Cytogenetic location: 3q24.
Variant type: single nucleotide variant.
Coding change: c.892G>A on transcript NM_182943.3 (MANE Select); coding-DNA position 892, G replaced by A.
Protein change: p.Val298Ile; replaces valine 298 with isoleucine.
Molecular consequence: missense variant.
Genome position (GRCh38, 1-based): chr3:146,088,699, C>T on the plus strand (G>A on the coding strand, the complement: PLOD2 is on the minus strand). VCF-style: chr3-146088699-C-T. GRCh37 (hg19) VCF-style: chr3-145806486-C-T.
Other names: c.892G>A, p.Val298Ile (NM_000935.3); c.892G>A (NM_000935.2); short protein forms V298I.
Identifiers: ClinVar variation 1348397 (VCV001348397.6), dbSNP rs947167279, ClinGen allele CA84520308.

ClinVar aggregate classification (germline): Uncertain significance. Review status: criteria provided, multiple submitters, no conflicts (2 of 4 stars). 2 submissions from 2 submitters: Uncertain significance (2). Last evaluated 2021-09-24.

Conditions:
Inborn genetic diseases. Identifiers: MedGen C0950123, MeSH D030342.

Allele frequency attached by ClinVar (database versions not stated): gnomAD 0.00001.
gnomAD v4.1: 15 of 1,606,578 alleles (0.00093%); highest among the groups gnomAD compares: Non-Finnish European, 0.0013%; no homozygotes.

Submissions (2):

Labcorp Genetics (formerly Invitae), Labcorp
Classification: Uncertain significance. Last evaluated: 2021-09-24. Review status: criteria provided, single submitter. Criteria: Invitae Variant Classification Sherloc (09022015). Collection method: clinical testing. Allele origin: germline.

Ambry Genetics
Classification: Uncertain significance for Inborn genetic diseases. Last evaluated: 2021-07-14. Review status: criteria provided, single submitter. Criteria: Ambry Variant Classification Scheme 2023. Collection method: clinical testing. Allele origin: germline.
Comment: The c.892G>A (p.V298I) alteration is located in exon 9 (coding exon 9) of the PLOD2 gene. This alteration results from a G to A substitution at nucleotide position 892, causing the valine (V) at amino acid position 298 to be replaced by an isoleucine (I). This variant was not reported in population-based cohorts in the Genome Aggregation Database (gnomAD). This amino acid position is highly conserved in available vertebrate species. This alteration is predicted to be tolerated by in silico analysis. Based on insufficient or conflicting evidence, the clinical significance of this alteration remains unclear.